The following is an entry in ClinVar:

ClinVar aggregate classification (germline): Likely pathogenic (1 of 4 stars; one submission).

Conditions:
Granulomatous disease, chronic, autosomal recessive, cytochrome b-positive, type 2. Also called: GRANULOMATOUS DISEASE, CHRONIC, DUE TO NCF2 DEFICIENCY; Chronic granulomatous disease due to deficiency of NCF-2; Chronic Granulomatous Disease, Autosomal Recessive, Cytochrome b-Positive, Type II; CGD, AUTOSOMAL RECESSIVE CYTOCHROME b-POSITIVE, TYPE II; GRANULOMATOUS DISEASE, CHRONIC, AUTOSOMAL RECESSIVE, 2. Identifiers: Orphanet 379, MedGen C1856245, MONDO:0009310, OMIM 233710.

Allele frequency attached by ClinVar (database versions not stated): gnomAD exomes below 0.00001; ExAC 0.00001.

Submission:

Labcorp Genetics (formerly Invitae), Labcorp
Classification: Likely pathogenic for Granulomatous disease, chronic, autosomal recessive, cytochrome b-positive, type 2. Last evaluated: 2020-09-08. Review status: criteria provided, single submitter. Criteria: Invitae Variant Classification Sherloc (09022015). Collection method: clinical testing. Allele origin: germline.
Comment: Donor and acceptor splice site variants typically lead to a loss of protein function (PMID: 16199547), and loss-of-function variants in NCF2 are known to be pathogenic (PMID: 10498624, 20167518). This sequence change affects an acceptor splice site in intron 3 of the NCF2 gene. It is expected to disrupt RNA splicing and likely results in an absent or disrupted protein product. This variant is present in population databases (rs759285400, ExAC 0.006%). This variant has not been reported in the literature in individuals with NCF2-related conditions. Algorithms developed to predict the effect of sequence changes on RNA splicing suggest that this variant may disrupt the consensus splice site, but this prediction has not been confirmed by published transcriptional studies. In summary, the currently available evidence indicates that the variant is pathogenic, but additional data are needed to prove that conclusively. Therefore, this variant has been classified as Likely Pathogenic.

Literature cited by the submitters: PubMed 16199547; PubMed 10498624; PubMed 20167518.

NM_000433.4(NCF2):c.367-1G>A

Gene: NCF2 (neutrophil cytosolic factor 2; minus strand). Cytogenetic location: 1q25.3.
Variant type: single nucleotide variant.
Coding change: c.367-1G>A on transcript NM_000433.4 (MANE Select); the canonical splice acceptor site of the intron before coding-DNA position 367, G replaced by A.
Molecular consequence: splice acceptor variant. On other transcripts: intron variant (2).
Genome position (GRCh38, 1-based): chr1:183,574,622, C>T on the plus strand (G>A on the coding strand, the complement: NCF2 is on the minus strand). VCF-style: chr1-183574622-C-T. GRCh37 (hg19) VCF-style: chr1-183543757-C-T.
Other names: c.367-1G>A (NM_001410895.1, NM_001127651.3); c.366+2977G>A (NM_001190789.2); c.367-1330G>A (NM_001190794.2).
Identifiers: ClinVar variation 1067449 (VCV001067449.7), dbSNP rs759285400, ClinGen allele CA1284980.
Genomic context (GRCh38, chr1:183,574,622, plus strand): 5'-TTCTTCAGCTTTTTTCCATTCCTCCTTCTTGGCATACATGAAAGCAATGTTATATAACAC[C>T]TAGAAAAGTACAGACCGCAACATAAAACTTGAGACTACTCCAAATCAAGGTGCCAGGGAA-3'